The following is an entry in ClinVar:

ClinVar aggregate classification (germline): Uncertain significance. Review status: criteria provided, multiple submitters, no conflicts (2 of 4 stars). 2 submissions from 2 submitters: Uncertain significance (2). Last evaluated 2026-01-05.

Conditions:
Hereditary cancer-predisposing syndrome. Also called: Tumor predisposition; Neoplastic Syndromes, Hereditary; Hereditary Cancer Syndrome; Hereditary neoplastic syndrome. Identifiers: Orphanet 140162, MedGen C0027672, MeSH D009386, MONDO:0015356.
Ataxia-telangiectasia syndrome (AT). Also called: ATAXIA-TELANGIECTASIA, COMPLEMENTATION GROUP A; ATAXIA-TELANGIECTASIA, FRESNO VARIANT; Ataxia-telangiectasia; Ataxia-telangiectasia, complementation group D; AT, COMPLEMENTATION GROUP C; Ataxia-telangiectasia, complementation group E. Identifiers: Orphanet 100, MedGen C0004135, MONDO:0008840, OMIM 208900.

Submissions (2):

Ambry Genetics
Classification: Uncertain significance for Hereditary cancer-predisposing syndrome. Last evaluated: 2026-01-05. Review status: criteria provided, single submitter. Criteria: Ambry Variant Classification Scheme 2023. Collection method: clinical testing. Allele origin: germline.
Comment: The p.L2452Q variant (also known as c.7355T>A), located in coding exon 49 of the ATM gene, results from a T to A substitution at nucleotide position 7355. The leucine at codon 2452 is replaced by glutamine, an amino acid with dissimilar properties. In an assay testing ATM function, this variant showed a functionally normal result (Lee KS et al. Cell, 2025 Sep;188:5081-5099.e27). This amino acid position is not well conserved in available vertebrate species. In addition, the in silico prediction for this alteration is inconclusive. Based on the available evidence, the clinical significance of this variant remains unclear.

Labcorp Genetics (formerly Invitae), Labcorp
Classification: Uncertain significance for Ataxia-telangiectasia syndrome. Last evaluated: 2023-12-12. Review status: criteria provided, single submitter. Criteria: Invitae Variant Classification Sherloc (09022015). Collection method: clinical testing. Allele origin: germline.
Comment: This sequence change replaces leucine, which is neutral and non-polar, with glutamine, which is neutral and polar, at codon 2452 of the ATM protein (p.Leu2452Gln). This variant is not present in population databases (gnomAD no frequency). This variant has not been reported in the literature in individuals affected with ATM-related conditions. ClinVar contains an entry for this variant (Variation ID: 844713). An algorithm developed to predict the effect of missense changes on protein structure and function (PolyPhen-2) suggests that this variant is likely to be disruptive. In summary, the available evidence is currently insufficient to determine the role of this variant in disease. Therefore, it has been classified as a Variant of Uncertain Significance.

Literature cited by the submitters: PubMed 40580951 (cited by Ambry Genetics).

NM_000051.4(ATM):c.7355T>A (p.Leu2452Gln)

Genes: ATM (ATM serine/threonine kinase; plus strand), C11orf65 (chromosome 11 open reading frame 65; minus strand). Cytogenetic location: 11q22.3.
Variant type: single nucleotide variant.
Coding change: c.7355T>A on transcript NM_000051.4 (MANE Select); coding-DNA position 7355, T replaced by A.
Protein change: p.Leu2452Gln; replaces leucine 2452 with glutamine.
Molecular consequence: missense variant. On other transcripts: intron variant (2).
Genome position (GRCh38, 1-based): chr11:108,330,261, T>A. VCF-style: chr11-108330261-T-A. GRCh37 (hg19) VCF-style: chr11-108200988-T-A.
Other names: c.7355T>A, p.Leu2452Gln (NM_001351834.2); c.641-21190A>T (NM_001330368.2); c.*38+4959A>T (NM_001351110.2); short protein forms L2452Q.
Identifiers: ClinVar variation 844713 (VCV000844713.11), dbSNP rs1555123032, ClinGen allele CA382559952.